The following is an entry in ClinVar:

ClinVar aggregate classification (germline): Uncertain significance. Review status: criteria provided, multiple submitters, no conflicts (2 of 4 stars). 2 submissions from 2 submitters: Uncertain significance (2). Last evaluated 2021-12-04.

Conditions:
Hereditary cancer-predisposing syndrome. Also called: Neoplastic Syndromes, Hereditary; Tumor predisposition; Hereditary neoplastic syndrome; Hereditary Cancer Syndrome. Identifiers: Orphanet 140162, MedGen C0027672, MeSH D009386, MONDO:0015356.

Submissions (2):

Labcorp Genetics (formerly Invitae), Labcorp
Classification: Uncertain significance for Hereditary cancer-predisposing syndrome. Last evaluated: 2021-12-04. Review status: criteria provided, single submitter. Criteria: Invitae Variant Classification Sherloc (09022015). Collection method: clinical testing. Allele origin: germline.
Comment: This variant is not present in population databases (gnomAD no frequency). In summary, the available evidence is currently insufficient to determine the role of this variant in disease. Therefore, it has been classified as a Variant of Uncertain Significance. Algorithms developed to predict the effect of missense changes on protein structure and function are either unavailable or do not agree on the potential impact of this missense change (SIFT: "Tolerated"; PolyPhen-2: "Probably Damaging"; Align-GVGD: "Class C0"). ClinVar contains an entry for this variant (Variation ID: 823701). This variant has not been reported in the literature in individuals affected with RAD50-related conditions. This sequence change replaces aspartic acid, which is acidic and polar, with glutamic acid, which is acidic and polar, at codon 1129 of the RAD50 protein (p.Asp1129Glu).

Ambry Genetics
Classification: Uncertain significance for Hereditary cancer-predisposing syndrome. Last evaluated: 2019-08-12. Review status: criteria provided, single submitter. Criteria: Ambry Variant Classification Scheme 2023. Collection method: clinical testing. Allele origin: germline.
Comment: The p.D1129E variant (also known as c.3387C>A), located in coding exon 21 of the RAD50 gene, results from a C to A substitution at nucleotide position 3387. The aspartic acid at codon 1129 is replaced by glutamic acid, an amino acid with highly similar properties. This amino acid position is highly conserved in available vertebrate species. In addition, the in silico prediction for this alteration is inconclusive. Since supporting evidence is limited at this time, the clinical significance of this alteration remains unclear.

NM_005732.4(RAD50):c.3387C>A (p.Asp1129Glu)

Gene: RAD50 (RAD50 double strand break repair protein; plus strand). Cytogenetic location: 5q31.1.
Variant type: single nucleotide variant.
Coding change: c.3387C>A on transcript NM_005732.4 (MANE Select); coding-DNA position 3387, C replaced by A.
Protein change: p.Asp1129Glu; replaces aspartic acid 1129 with glutamic acid.
Molecular consequence: missense variant.
Genome position (GRCh38, 1-based): chr5:132,618,292, C>A. VCF-style: chr5-132618292-C-A. GRCh37 (hg19) VCF-style: chr5-131953984-C-A.
Other names: short protein forms D1129E.
Identifiers: ClinVar variation 823701 (VCV000823701.10), dbSNP rs1581009609, ClinGen allele CA360965074.
Genomic context (GRCh38, chr5:132,618,292, plus strand): 5'-TGTTATGAGGACAACAGAACTTGTGAACAAGGATCTGGATATTTATTATAAGACTCTTGA[C>A]CAGTAAGTATTAGACTGGGGATTTTCTTATTGCAGTTAATATTAACTAACATACTTTAGT-3'
Protein context (NP_005723.2, residues 1119-1139): KDLDIYYKTL[Asp1129Glu]QAIMKFHSMK